The following is an entry in ClinVar:

ClinVar aggregate classification (germline): Likely benign (0 of 4 stars; one submission).

Conditions:
CDH15-related disorder. Also called: CDH15-related condition.

Allele frequency attached by ClinVar (database versions not stated): gnomAD 0.00001; gnomAD exomes 0.00002; TOPMed 0.00002; ExAC 0.00017.

Submission:

PreventionGenetics, part of Exact Sciences
Classification: Likely benign for CDH15-related condition. Last evaluated: 2020-01-13. Review status: no assertion criteria provided. Collection method: clinical testing. Allele origin: germline.
Comment: This variant is classified as likely benign based on ACMG/AMP sequence variant interpretation guidelines (Richards et al. 2015 PMID: 25741868, with internal and published modifications).

NM_004933.3(CDH15):c.1376-8G>A

Gene: CDH15 (cadherin 15; plus strand). Cytogenetic location: 16q24.3.
Variant type: single nucleotide variant.
Coding change: c.1376-8G>A on transcript NM_004933.3 (MANE Select); 8 bases into the intron before coding-DNA position 1376, G replaced by A.
Molecular consequence: intron variant.
Genome position (GRCh38, 1-based): chr16:89,191,647, G>A. VCF-style: chr16-89191647-G-A. GRCh37 (hg19) VCF-style: chr16-89258055-G-A.
Identifiers: ClinVar variation 3051282 (VCV003051282.2), dbSNP rs753082980, ClinGen allele CA8239287.